The following is an entry in ClinVar:

NM_080473.5(GATA5):c.407C>T (p.Thr136Ile)

Gene: GATA5 (GATA binding protein 5; minus strand). Cytogenetic location: 20q13.33.
Variant type: single nucleotide variant.
Coding change: c.407C>T on transcript NM_080473.5 (MANE Select); coding-DNA position 407, C replaced by T.
Protein change: p.Thr136Ile; replaces threonine 136 with isoleucine.
Molecular consequence: missense variant.
Genome position (GRCh38, 1-based): chr20:62,475,115, G>A on the plus strand (C>T on the coding strand, the complement: GATA5 is on the minus strand). VCF-style: chr20-62475115-G-A. GRCh37 (hg19) VCF-style: chr20-61050171-G-A.
Other names: short protein forms T136I.
Identifiers: ClinVar variation 4807815 (VCV004807815.1).

ClinVar aggregate classification (germline): Uncertain significance (1 of 4 stars; one submission).

Submission:

Labcorp Genetics (formerly Invitae), Labcorp
Classification: Uncertain significance. Last evaluated: 2025-07-08. Review status: criteria provided, single submitter. Criteria: Invitae Variant Classification Sherloc (09022015). Collection method: clinical testing. Allele origin: germline.
Comment: This sequence change replaces threonine, which is neutral and polar, with isoleucine, which is neutral and non-polar, at codon 136 of the GATA5 protein (p.Thr136Ile). This variant is present in population databases (no rsID available, gnomAD 0.01%). This variant has not been reported in the literature in individuals affected with GATA5-related conditions. Invitae Evidence Modeling of protein sequence and biophysical properties (such as structural, functional, and spatial information, amino acid conservation, physicochemical variation, residue mobility, and thermodynamic stability) indicates that this missense variant is not expected to disrupt GATA5 protein function with a negative predictive value of 80%. In summary, the available evidence is currently insufficient to determine the role of this variant in disease. Therefore, it has been classified as a Variant of Uncertain Significance.